The following is an entry in ClinVar:

ClinVar aggregate classification (germline): Uncertain significance. Review status: criteria provided, single submitter (1 of 4 stars). 2 submissions from 2 submitters: Uncertain significance (1). 1 of the submissions does not count toward it. Last evaluated 2025-01-09.

Allele frequency attached by ClinVar (database versions not stated): gnomAD exomes below 0.00001 and 0.00001; ExAC 0.00001; gnomAD 0.00001; TOPMed 0.00001.

Submissions (2):

GeneDx
Classification: Uncertain significance. Last evaluated: 2025-01-09. Review status: criteria provided, single submitter. Criteria: GeneDx Variant Classification Process June 2021. Collection method: clinical testing. Allele origin: germline. Affected: yes.
Comment: Not observed at significant frequency in large population cohorts (gnomAD); In silico analysis supports that this missense variant has a deleterious effect on protein structure/function; Has not been previously published as pathogenic or benign to our knowledge

Department of Pathology and Laboratory Medicine, Sinai Health System
Classification: Uncertain significance. Review status: no assertion criteria provided. Collection method: clinical testing. Allele origin: unknown. Affected: yes. Study: The Canadian Open Genetics Repository (COGR). Not counted in ClinVar's aggregate classification.
Comment: The MARS2 p.Lys347Glu variant was not identified in the literature nor was it identified in ClinVar, Cosmic or LOVD 3.0. The variant was identified in dbSNP (ID: rs758222959) and in control databases in 2 of 282598 chromosomes at a frequency of 0.000007077 (Genome Aggregation Database March 6, 2019, v2.1.1). The variant was observed in the following populations: African in 1 of 24964 chromosomes (freq: 0.00004), European (non-Finnish) in 1 of 129180 chromosomes (freq: 0.000008); the variant was not observed in the Latino, Ashkenazi Jewish, East Asian, European (Finnish), Other, and South Asian populations. The variant occurs outside of the splicing consensus sequence and in silico splicing prediction programs (MaxEntScan, NNSPLICE, GeneSplicer, SpliceSiteFinder) do not predict a greater than 10% difference in splicing. The p.Lys347 residue is conserved across mammals and other organisms and four out of five computational analysis programs (PolyPhen-2, SIFT, AlignGVGD, BLOSUM, MutationTaster) suggest a high likelihood of impact to the protein; however this information is not predictive enough to assume pathogenicity. In summary, based on the above information the clinical significance of this variant cannot be determined with certainty at this time. This variant is classified as a variant of uncertain significance.

NM_138395.4(MARS2):c.1039A>G (p.Lys347Glu)

Gene: MARS2 (methionyl-tRNA synthetase 2, mitochondrial; plus strand). Cytogenetic location: 2q33.1.
Variant type: single nucleotide variant.
Coding change: c.1039A>G on transcript NM_138395.4 (MANE Select); coding-DNA position 1039, A replaced by G.
Protein change: p.Lys347Glu; replaces lysine 347 with glutamic acid.
Molecular consequence: missense variant.
Genome position (GRCh38, 1-based): chr2:197,706,444, A>G. VCF-style: chr2-197706444-A-G. GRCh37 (hg19) VCF-style: chr2-198571168-A-G.
Other names: c.1039A>G (NM_138395.3); short protein forms K347E.
Identifiers: ClinVar variation 1050052 (VCV001050052.2), dbSNP rs758222959, ClinGen allele CA2044680.